The following is an entry in ClinVar:

NM_022124.6(CDH23):c.9739-12G>T

Genes: CDH23 (cadherin related 23; plus strand), PSAP (prosaposin; minus strand). Cytogenetic location: 10q22.1.
Variant type: single nucleotide variant.
Coding change: c.9739-12G>T on transcript NM_022124.6 (MANE Select); 12 bases into the intron before coding-DNA position 9739, G replaced by T.
Molecular consequence: intron variant.
Genome position (GRCh38, 1-based): chr10:71,814,940, G>T. VCF-style: chr10-71814940-G-T. GRCh37 (hg19) VCF-style: chr10-73574697-G-T.
Other names: c.3019-12G>T (NM_001171933.1); c.2914-12G>T (NM_001171934.1); c.430-12G>T (NM_001171935.1); c.325-12G>T (NM_001171936.1).
Identifiers: ClinVar variation 1214056 (VCV001214056.13), dbSNP rs200638595, ClinGen allele CA5547170.

ClinVar aggregate classification (germline): Likely benign. Review status: criteria provided, multiple submitters, no conflicts (2 of 4 stars). 4 submissions from 4 submitters: Likely benign (4). Last evaluated 2026-01-23.

Conditions:
PSAP-related disorder. Also called: PSAP-related condition.

Allele frequency attached by ClinVar (database versions not stated): 1000 Genomes Project 30x 0.00016; 1000 Genomes Project 0.00020; ESP Exome Variant Server 0.00074.
gnomAD v4.1: 121 of 1,600,606 alleles (0.0076%); highest among the groups gnomAD compares: African/African-American, 0.15%; no homozygotes.

Submissions (4):

PreventionGenetics, part of Exact Sciences
Classification: Likely benign for PSAP-related condition. Last evaluated: 2026-01-23. Review status: criteria provided, single submitter. Criteria: ACMG Guidelines, 2015. Collection method: clinical testing. Allele origin: germline.
Comment: This variant is classified as likely benign based on ACMG/AMP sequence variant interpretation guidelines (Richards et al. 2015 PMID: 25741868, with internal and published modifications).

Labcorp Genetics (formerly Invitae), Labcorp
Classification: Likely benign. Last evaluated: 2026-01-12. Review status: criteria provided, single submitter. Criteria: Invitae Variant Classification Sherloc (09022015). Collection method: clinical testing. Allele origin: germline.

Blueprint Genetics
Classification: Likely benign. Last evaluated: 2023-06-20. Review status: criteria provided, single submitter. Criteria: ACMG Guidelines, 2015. Collection method: clinical testing. Allele origin: germline.

GeneDx
Classification: Likely benign. Last evaluated: 2021-07-22. Review status: criteria provided, single submitter. Criteria: GeneDx Variant Classification Process June 2021. Collection method: clinical testing. Allele origin: germline. Affected: yes.